The following is an entry in ClinVar:

NM_014991.6(WDFY3):c.9079T>C (p.Cys3027Arg)

Genes: WDFY3 (WD repeat and FYVE domain containing 3; minus strand), LOC126807101 (CDK7 strongly-dependent group 2 enhancer GRCh37_chr4:85612241-85613440; plus strand). Cytogenetic location: 4q21.23.
Variant type: single nucleotide variant.
Coding change: c.9079T>C on transcript NM_014991.6 (MANE Select); coding-DNA position 9079, T replaced by C.
Protein change: p.Cys3027Arg; replaces cysteine 3027 with arginine.
Molecular consequence: missense variant.
Genome position (GRCh38, 1-based): chr4:84,691,756, A>G on the plus strand (T>C on the coding strand, the complement: WDFY3 is on the minus strand). VCF-style: chr4-84691756-A-G. GRCh37 (hg19) VCF-style: chr4-85612909-A-G.
Other names: short protein forms C3027R.
Identifiers: ClinVar variation 2497791 (VCV002497791.1), dbSNP rs1729299764, ClinGen allele CA357537795.

ClinVar aggregate classification (germline): Uncertain significance (1 of 4 stars; one submission).

Allele frequency attached by ClinVar (database versions not stated): gnomAD 0.00001.
gnomAD v4.1: 1 of 1,613,780 alleles (0.000062%); highest among the groups gnomAD compares: African/African-American, 0.0013%; no homozygotes.

Submission:

GeneDx
Classification: Uncertain significance. Last evaluated: 2022-10-10. Review status: criteria provided, single submitter. Criteria: GeneDx Variant Classification Process June 2021. Collection method: clinical testing. Allele origin: germline. Affected: yes.
Comment: Not observed at significant frequency in large population cohorts (gnomAD); In silico analysis supports that this missense variant does not alter protein structure/function; Has not been previously published as pathogenic or benign to our knowledge